The following is an entry in ClinVar:

ClinVar aggregate classification (germline): Uncertain significance (1 of 4 stars; one submission).

Submission:

Labcorp Genetics (formerly Invitae), Labcorp
Classification: Uncertain significance. Last evaluated: 2023-09-18. Review status: criteria provided, single submitter. Criteria: Invitae Variant Classification Sherloc (09022015). Collection method: clinical testing. Allele origin: germline.
Comment: In summary, the available evidence is currently insufficient to determine the role of this variant in disease. Therefore, it has been classified as a Variant of Uncertain Significance. Advanced modeling of protein sequence and biophysical properties (such as structural, functional, and spatial information, amino acid conservation, physicochemical variation, residue mobility, and thermodynamic stability) performed at Invitae indicates that this missense variant is not expected to disrupt NEDD4L protein function. This variant has not been reported in the literature in individuals affected with NEDD4L-related conditions. This variant is not present in population databases (gnomAD no frequency). This sequence change replaces alanine, which is neutral and non-polar, with proline, which is neutral and non-polar, at codon 872 of the NEDD4L protein (p.Ala872Pro).

NM_001144967.3(NEDD4L):c.2674G>C (p.Ala892Pro)

Gene: NEDD4L (NEDD4 like E3 ubiquitin protein ligase; plus strand). Cytogenetic location: 18q21.31.
Variant type: single nucleotide variant.
Coding change: c.2674G>C on transcript NM_001144967.3 (MANE Select); coding-DNA position 2674, G replaced by C.
Protein change: p.Ala892Pro; replaces alanine 892 with proline.
Molecular consequence: missense variant.
Genome position (GRCh38, 1-based): chr18:58,390,664, G>C. VCF-style: chr18-58390664-G-C. GRCh37 (hg19) VCF-style: chr18-56057896-G-C.
Other names: c.2614G>C, p.Ala872Pro (NM_015277.6); c.2311G>C, p.Ala771Pro (NM_001144964.1, NM_001144965.2, NM_001144966.3); c.2650G>C, p.Ala884Pro (NM_001144968.2); c.2590G>C, p.Ala864Pro (NM_001144969.2); c.2251G>C, p.Ala751Pro (NM_001144970.3, NM_001144971.2); c.2482G>C, p.Ala828Pro (NM_001243960.2); short protein forms A828P, A884P, A771P, A864P, A751P, A872P, A892P.
Identifiers: ClinVar variation 2756317 (VCV002756317.3), dbSNP rs2146969107, ClinGen allele CA402559970.